The following is an entry in ClinVar:

NM_004655.4(AXIN2):c.676C>G (p.Pro226Ala)

Gene: AXIN2 (axin 2; minus strand). Cytogenetic location: 17q24.1.
Variant type: single nucleotide variant.
Coding change: c.676C>G on transcript NM_004655.4 (MANE Select); coding-DNA position 676, C replaced by G.
Protein change: p.Pro226Ala; replaces proline 226 with alanine.
Molecular consequence: missense variant.
Genome position (GRCh38, 1-based): chr17:65,557,945, G>C on the plus strand (C>G on the coding strand, the complement: AXIN2 is on the minus strand). VCF-style: chr17-65557945-G-C. GRCh37 (hg19) VCF-style: chr17-63554063-G-C.
Other names: c.676C>G, p.Pro226Ala (NM_001363813.1); short protein forms P226A.
Identifiers: ClinVar variation 2720932 (VCV002720932.3), dbSNP rs2144583231, ClinGen allele CA400680514.
Genomic context (GRCh38, chr17:65,557,945, plus strand): 5'-TTGGCGAAAGTTTGCACTTGAAGTCGGCACAAGTCCACTCCTCTTCTTCATTCAAGGTGG[G>C]GAGATAGCCACACACGACCTTTAGGCTCCCGAGTCCCCCATTACTCATGTAAGCTGTGTT-3'
Protein context (NP_004646.3, residues 216-236): GSLKVVCGYL[Pro226Ala]TLNEEEEWTC

ClinVar aggregate classification (germline): Uncertain significance (1 of 4 stars; one submission).

Conditions:
Oligodontia-cancer predisposition syndrome. Also called: TOOTH AGENESIS-COLORECTAL CANCER SYNDROME. Identifiers: Orphanet 300576, MedGen C1837750, MONDO:0012075, OMIM 608615. Disease mechanism: loss of function.

Submission:

Labcorp Genetics (formerly Invitae), Labcorp
Classification: Uncertain significance for Oligodontia-cancer predisposition syndrome. Last evaluated: 2024-02-22. Review status: criteria provided, single submitter. Criteria: Invitae Variant Classification Sherloc (09022015). Collection method: clinical testing. Allele origin: germline.
Comment: This sequence change replaces proline, which is neutral and non-polar, with alanine, which is neutral and non-polar, at codon 226 of the AXIN2 protein (p.Pro226Ala). This variant is not present in population databases (gnomAD no frequency). This variant has not been reported in the literature in individuals affected with AXIN2-related conditions. Advanced modeling of protein sequence and biophysical properties (such as structural, functional, and spatial information, amino acid conservation, physicochemical variation, residue mobility, and thermodynamic stability) performed at Invitae indicates that this missense variant is expected to disrupt AXIN2 protein function with a positive predictive value of 80%. In summary, the available evidence is currently insufficient to determine the role of this variant in disease. Therefore, it has been classified as a Variant of Uncertain Significance.